The following is an entry in ClinVar:

ClinVar aggregate classification (germline): Pathogenic (1 of 4 stars; one submission).

Submission:

Labcorp Genetics (formerly Invitae), Labcorp
Classification: Pathogenic. Last evaluated: 2024-02-23. Review status: criteria provided, single submitter. Criteria: Invitae Variant Classification Sherloc (09022015). Collection method: clinical testing. Allele origin: germline.
Comment: This sequence change creates a premature translational stop signal (p.Gly235Trpfs*4) in the DLL1 gene. It is expected to result in an absent or disrupted protein product. Loss-of-function variants in DLL1 are known to be pathogenic (PMID: 31353024). This variant is not present in population databases (gnomAD no frequency). This variant has not been reported in the literature in individuals affected with DLL1-related conditions. For these reasons, this variant has been classified as Pathogenic.

Literature cited by the submitters: PubMed 31353024.

NM_005618.4(DLL1):c.702dup (p.Gly235fs)

Gene: DLL1 (delta like canonical Notch ligand 1; minus strand). Cytogenetic location: 6q27.
Variant type: Duplication.
Coding change: c.702dup on transcript NM_005618.4 (MANE Select); coding-DNA position 702, one base duplicated (T; older notation c.702dupT).
Protein change: p.Gly235fs; shifts the reading frame from glycine 235.
Molecular consequence: frameshift variant.
Genome position (GRCh38, 1-based): chr6:170,286,267, A duplicated on the plus strand (T on the coding strand, the reverse complement: DLL1 is on the minus strand). VCF-style (leftmost placement, unchanged base first): chr6-170286266-C-CA. GRCh37 (hg19) VCF-style: chr6-170595354-C-CA.
Other names: short protein forms G235fs.
Identifiers: ClinVar variation 3641532 (VCV003641532.2).